The following is an entry in ClinVar:

ClinVar aggregate classification (germline): Uncertain significance (1 of 4 stars; one submission).

Conditions:
Focal segmental glomerulosclerosis 5 (FSGS5). Identifiers: Orphanet 656, MedGen C2750475, MONDO:0013191, OMIM 613237.
Charcot-Marie-Tooth disease dominant intermediate E. Also called: CHARCOT-MARIE-TOOTH NEUROPATHY WITH FOCAL SEGMENTAL GLOMERULONEPHRITIS. Identifiers: Orphanet 93114, MedGen C4302667, MONDO:0013758, OMIM 614455.

Submission:

Labcorp Genetics (formerly Invitae), Labcorp
Classification: Uncertain significance for Charcot-Marie-Tooth disease dominant intermediate E; Focal segmental glomerulosclerosis 5. Last evaluated: 2023-05-22. Review status: criteria provided, single submitter. Criteria: Invitae Variant Classification Sherloc (09022015). Collection method: clinical testing. Allele origin: germline.
Comment: This variant is not present in population databases (gnomAD no frequency). In summary, the available evidence is currently insufficient to determine the role of this variant in disease. Therefore, it has been classified as a Variant of Uncertain Significance. Experimental studies and prediction algorithms are not available or were not evaluated, and the functional significance of this variant is currently unknown. This variant has not been reported in the literature in individuals affected with INF2-related conditions. This sequence change creates a premature translational stop signal (p.Gly88Alafs*23) in the INF2 gene. It is expected to result in an absent or disrupted protein product. However, the current clinical and genetic evidence is not sufficient to establish whether loss-of-function variants in INF2 cause disease.

NM_022489.4(INF2):c.261_262dup (p.Gly88fs)

Gene: INF2 (inverted formin 2; plus strand). Cytogenetic location: 14q32.33.
Variant type: Microsatellite.
Coding change: c.261_262dup on transcript NM_022489.4 (MANE Select); coding-DNA positions 261 to 262, 2 bases duplicated (CG; older notation c.261_262dupCG).
Protein change: p.Gly88fs; shifts the reading frame from glycine 88.
Molecular consequence: frameshift variant.
Genome position (GRCh38, 1-based): chr14:104,701,626-104,701,627, CG duplicated; duplicating any 2 consecutive bases within chr14:104,701,624-104,701,627 gives the same sequence; the c. name uses the placement nearest the transcript's 3' end. VCF-style (leftmost placement, unchanged base first): chr14-104701623-C-CCG. GRCh37 (hg19) VCF-style: chr14-105167960-C-CCG.
Other names: c.261_262dup, p.Gly88fs (NM_001031714.4, NM_032714.3); c.259_260CG[3], p.Gly88Alafs (NM_001426862.1, NM_001426863.1, NM_001426864.1 and 4 more transcripts); short protein forms G88fs.
Identifiers: ClinVar variation 2948117 (VCV002948117.3), dbSNP rs2504232627, ClinGen allele CA2740097216.